The following is an entry in ClinVar:

NM_014014.5(SNRNP200):c.4165-6C>T

Gene: SNRNP200 (small nuclear ribonucleoprotein U5 subunit 200; minus strand). Cytogenetic location: 2q11.2.
Variant type: single nucleotide variant.
Coding change: c.4165-6C>T on transcript NM_014014.5 (MANE Select); 6 bases into the intron before coding-DNA position 4165, C replaced by T.
Molecular consequence: intron variant.
Genome position (GRCh38, 1-based): chr2:96,284,591, G>A on the plus strand (C>T on the coding strand, the complement: SNRNP200 is on the minus strand). VCF-style: chr2-96284591-G-A. GRCh37 (hg19) VCF-style: chr2-96950329-G-A.
Other names: c.4165-6C>T (NM_014014.4).
Identifiers: ClinVar variation 1168469 (VCV001168469.12), dbSNP rs372471318, ClinGen allele CA1778260.

ClinVar aggregate classification (germline): Benign/Likely benign. Review status: criteria provided, multiple submitters, no conflicts (2 of 4 stars). 3 submissions from 3 submitters: Benign (1); Likely benign (1). 1 of the submissions does not count toward it. Last evaluated 2025-09-19.

Conditions:
SNRNP200-related disorder. Also called: SNRNP200-related condition.

Allele frequency attached by ClinVar (database versions not stated): gnomAD exomes 0.00009 and 0.00016; ExAC 0.00024; 1000 Genomes Project 30x 0.00031; 1000 Genomes Project 0.00040; gnomAD 0.00051 and 0.00054; TOPMed 0.00066; ESP Exome Variant Server 0.00085.
gnomAD v4.1: 205 of 1,601,438 alleles (0.013%); highest among the groups gnomAD compares: African/African-American, 0.19%; no homozygotes.

Submissions (3):

Labcorp Genetics (formerly Invitae), Labcorp
Classification: Benign. Last evaluated: 2025-09-19. Review status: criteria provided, single submitter. Criteria: Invitae Variant Classification Sherloc (09022015). Collection method: clinical testing. Allele origin: germline.

Blueprint Genetics
Classification: Likely benign. Last evaluated: 2024-11-18. Review status: criteria provided, single submitter. Criteria: ACMG Guidelines, 2015. Collection method: clinical testing. Allele origin: germline.

PreventionGenetics, part of Exact Sciences
Classification: Likely benign for SNRNP200-related condition. Last evaluated: 2019-10-25. Review status: no assertion criteria provided. Collection method: clinical testing. Allele origin: germline. Not counted in ClinVar's aggregate classification.
Comment: This variant is classified as likely benign based on ACMG/AMP sequence variant interpretation guidelines (Richards et al. 2015 PMID: 25741868, with internal and published modifications).